The following is an entry in ClinVar:

NM_017841.4(SDHAF2):c.58A>G (p.Ser20Gly)

Gene: SDHAF2 (succinate dehydrogenase complex assembly factor 2; plus strand). Cytogenetic location: 11q12.2.
Variant type: single nucleotide variant.
Coding change: c.58A>G on transcript NM_017841.4 (MANE Select); coding-DNA position 58, A replaced by G.
Protein change: p.Ser20Gly; replaces serine 20 with glycine.
Molecular consequence: missense variant.
Genome position (GRCh38, 1-based): chr11:61,437,646, A>G. VCF-style: chr11-61437646-A-G. GRCh37 (hg19) VCF-style: chr11-61205118-A-G.
Other names: short protein forms S20G.
Identifiers: ClinVar variation 5029246 (VCV005029246.1).

ClinVar aggregate classification (germline): Uncertain significance (1 of 4 stars; one submission).

Conditions:
Hereditary cancer-predisposing syndrome. Also called: Neoplastic Syndromes, Hereditary; Tumor predisposition; Hereditary neoplastic syndrome; Hereditary Cancer Syndrome. Identifiers: Orphanet 140162, MedGen C0027672, MeSH D009386, MONDO:0015356.

gnomAD v4.1: 1 of 1,614,198 alleles (0.000062%); no homozygotes.

Submission:

Ambry Genetics
Classification: Uncertain significance for Hereditary cancer-predisposing syndrome. Last evaluated: 2026-07-07. Review status: criteria provided, single submitter. Criteria: Ambry Variant Classification Scheme 2023. Collection method: clinical testing. Allele origin: germline.
Comment: The p.S20G variant (also known as c.58A>G), located in coding exon 2 of the SDHAF2 gene, results from an A to G substitution at nucleotide position 58. The serine at codon 20 is replaced by glycine, an amino acid with similar properties. This amino acid position is conserved. In addition, this alteration is predicted to be tolerated by in silico analysis. Based on the available evidence, the clinical significance of this variant remains unclear.